The following is an entry in ClinVar:

ClinVar aggregate classification (germline): Likely pathogenic (1 of 4 stars; one submission).

Conditions:
Intellectual developmental disorder, autosomal dominant 6, with or without seizures. Also called: GRIN2B-related developmental delay, intellectual disability and autism spectrum disorder; Intellectual disability, autosomal dominant 6. Identifiers: Orphanet 589547, MedGen C3151411, MONDO:0013509, OMIM 613970.

Submission:

Institute of Human Genetics, University of Leipzig Medical Center
Classification: Likely pathogenic for Intellectual developmental disorder, autosomal dominant 6, with or without seizures. Last evaluated: 2017-04-04. Review status: criteria provided, single submitter. Criteria: ACMG Guidelines, 2015. Collection method: clinical testing. Allele origin: de novo. Affected: yes.
Comment: This variant was identified as de novo (maternity and paternity confirmed).

Literature cited by the submitters: PubMed 28377535.

NM_000834.5(GRIN2B):c.1848C>G (p.Asn616Lys)

Gene: GRIN2B (glutamate ionotropic receptor NMDA type subunit 2B; minus strand). Cytogenetic location: 12p13.1.
Variant type: single nucleotide variant.
Coding change: c.1848C>G on transcript NM_000834.5 (MANE Select); coding-DNA position 1848, C replaced by G.
Protein change: p.Asn616Lys; replaces asparagine 616 with lysine.
Molecular consequence: missense variant.
Genome position (GRCh38, 1-based): chr12:13,608,765, G>C on the plus strand (C>G on the coding strand, the complement: GRIN2B is on the minus strand). VCF-style: chr12-13608765-G-C. GRCh37 (hg19) VCF-style: chr12-13761699-G-C.
Other names: short protein forms N616K.
Identifiers: ClinVar variation 916608 (VCV000916608.1), dbSNP rs1949321461, ClinGen allele CA384051212.